The following is an entry in ClinVar:

NM_001365951.3(KIF1B):c.424G>A (p.Val142Ile)

Genes: KIF1B (kinesin family member 1B; plus strand), LOC129388447 (MPRA-validated peak65 silencer; plus strand). Cytogenetic location: 1p36.22.
Variant type: single nucleotide variant.
Coding change: c.424G>A on transcript NM_001365951.3 (MANE Select); coding-DNA position 424, G replaced by A.
Protein change: p.Val142Ile; replaces valine 142 with isoleucine.
Molecular consequence: missense variant.
Genome position (GRCh38, 1-based): chr1:10,261,965, G>A. VCF-style: chr1-10261965-G-A. GRCh37 (hg19) VCF-style: chr1-10322023-G-A.
Other names: c.424G>A, p.Val142Ile (NM_001365952.1, NM_001365953.1, NM_015074.3 and 1 more transcripts); short protein forms V142I.
Identifiers: ClinVar variation 4694516 (VCV004694516.1).

ClinVar aggregate classification (germline): Uncertain significance (1 of 4 stars; one submission).

Conditions:
Charcot-Marie-Tooth disease type 2. Also called: Charcot-Marie-Tooth type 2. Identifiers: Orphanet 64746, MedGen C0270914, MONDO:0018993.

Submission:

Labcorp Genetics (formerly Invitae), Labcorp
Classification: Uncertain significance for Charcot-Marie-Tooth disease type 2. Last evaluated: 2025-03-17. Review status: criteria provided, single submitter. Criteria: Invitae Variant Classification Sherloc (09022015). Collection method: clinical testing. Allele origin: germline.
Comment: This sequence change replaces valine, which is neutral and non-polar, with isoleucine, which is neutral and non-polar, at codon 142 of the KIF1B protein (p.Val142Ile). The frequency data for this variant in the population databases is considered unreliable, as metrics indicate poor data quality at this position in the gnomAD database. This variant has not been reported in the literature in individuals affected with KIF1B-related conditions. Invitae Evidence Modeling of protein sequence and biophysical properties (such as structural, functional, and spatial information, amino acid conservation, physicochemical variation, residue mobility, and thermodynamic stability) indicates that this missense variant is not expected to disrupt KIF1B protein function with a negative predictive value of 80%. In summary, the available evidence is currently insufficient to determine the role of this variant in disease. Therefore, it has been classified as a Variant of Uncertain Significance.